The following is an entry in ClinVar:

ClinVar aggregate classification (germline): Uncertain significance (1 of 4 stars; one submission).

Conditions:
Inborn genetic diseases. Identifiers: MedGen C0950123, MeSH D030342.

Submission:

Ambry Genetics
Classification: Uncertain significance for Inborn genetic diseases. Last evaluated: 2021-01-11. Review status: criteria provided, single submitter. Criteria: Ambry Variant Classification Scheme 2023. Collection method: clinical testing. Allele origin: germline.
Comment: The c.1672A>T (p.M558L) alteration is located in exon 12 (coding exon 11) of the CTNNA2 gene. This alteration results from a A to T substitution at nucleotide position 1672, causing the methionine (M) at amino acid position 558 to be replaced by a leucine (L). The p.M558L alteration is predicted to be tolerated by in silico analysis. Based on insufficient or conflicting evidence, the clinical significance of this alteration remains unclear.

NM_001282597.3(CTNNA2):c.1672A>T (p.Met558Leu)

Gene: CTNNA2 (catenin alpha 2; plus strand). Cytogenetic location: 2p12.
Variant type: single nucleotide variant.
Coding change: c.1672A>T on transcript NM_001282597.3 (MANE Select); coding-DNA position 1672, A replaced by T.
Protein change: p.Met558Leu; replaces methionine 558 with leucine.
Molecular consequence: missense variant.
Genome position (GRCh38, 1-based): chr2:80,555,824, A>T. VCF-style: chr2-80555824-A-T. GRCh37 (hg19) VCF-style: chr2-80782949-A-T.
Other names: c.1672A>T, p.Met558Leu (NM_001164883.2, NM_001399737.1, NM_004389.4); c.1774A>T, p.Met592Leu (NM_001282598.2); c.709A>T, p.Met237Leu (NM_001282599.2); c.568A>T, p.Met190Leu (NM_001282600.2, NM_001320810.2); short protein forms M237L, M592L, M190L, M558L.
Identifiers: ClinVar variation 2228736 (VCV002228736.2), dbSNP rs772936089, ClinGen allele CA347512294.